The following is an entry in ClinVar:

ClinVar aggregate classification (germline): Uncertain significance (1 of 4 stars; one submission).

Conditions:
Idiopathic generalized epilepsy. Also called: EIG; Generalised epilepsy. Identifiers: MedGen C0270850, MONDO:0005579, OMIM 600669.

gnomAD v4.1: 4 of 1,614,118 alleles (0.00025%); highest among the groups gnomAD compares: Admixed American, 0.005%; no homozygotes.

Submission:

Labcorp Genetics (formerly Invitae), Labcorp
Classification: Uncertain significance for Idiopathic generalized epilepsy. Last evaluated: 2023-12-01. Review status: criteria provided, single submitter. Criteria: Invitae Variant Classification Sherloc (09022015). Collection method: clinical testing. Allele origin: germline.
Comment: This sequence change replaces threonine, which is neutral and polar, with arginine, which is basic and polar, at codon 124 of the RBFOX1 protein (p.Thr124Arg). This variant is present in population databases (no rsID available, gnomAD 0.006%). This variant has not been reported in the literature in individuals affected with RBFOX1-related conditions. Advanced modeling of protein sequence and biophysical properties (such as structural, functional, and spatial information, amino acid conservation, physicochemical variation, residue mobility, and thermodynamic stability) performed at Invitae indicates that this missense variant is not expected to disrupt RBFOX1 protein function with a negative predictive value of 80%. In summary, the available evidence is currently insufficient to determine the role of this variant in disease. Therefore, it has been classified as a Variant of Uncertain Significance.

NM_018723.4(RBFOX1):c.311C>G (p.Thr104Arg)

Genes: RBFOX1 (RNA binding fox-1 homolog 1; plus strand), LOC126862278 (CDK7 strongly-dependent group 2 enhancer GRCh37_chr16:7629446-7630645; plus strand). Cytogenetic location: 16p13.3.
Variant type: single nucleotide variant.
Coding change: c.311C>G on transcript NM_018723.4 (MANE Select); coding-DNA position 311, C replaced by G.
Protein change: p.Thr104Arg; replaces threonine 104 with arginine.
Molecular consequence: missense variant.
Genome position (GRCh38, 1-based): chr16:7,579,817, C>G. VCF-style: chr16-7579817-C-G. GRCh37 (hg19) VCF-style: chr16-7629819-C-G.
Other names: c.311C>G, p.Thr104Arg (NM_001142334.2, NM_001364800.2, NM_001415916.1 and 1 more transcripts); c.440C>G, p.Thr147Arg (NM_001308117.1, NM_001411047.1, NM_001415891.1 and 5 more transcripts); c.908C>G, p.Thr303Arg (NM_001415887.1, NM_001415888.1); c.419C>G, p.Thr140Arg (NM_001415889.1, NM_001415909.1, NM_001415910.1 and 5 more transcripts); c.386C>G, p.Thr129Arg (NM_001415890.1, NM_001415903.1, NM_001415905.1 and 4 more transcripts); c.317C>G, p.Thr106Arg (NM_001415902.1, NM_001415911.1, NM_001415917.1); c.371C>G, p.Thr124Arg (NM_001415904.1, NM_001415906.1, NM_001415915.1 and 4 more transcripts); short protein forms T124R, T129R, T140R, T147R, T104R, T106R, T303R.
Identifiers: ClinVar variation 2807840 (VCV002807840.3), dbSNP rs762735864, ClinGen allele CA394682408.
Genomic context (GRCh38, chr16:7,579,817, plus strand): 5'-GTTTCTTCTTGTTCTTTTAGCAGACAGATGACGCAGCACCGACGGATGGCCAGCCCCAGA[C>G]ACAACCTTCTGAAAACACGGAAAACAAGTCTCAGCCCAAGCGGCTGCATGTCTCCAATAT-3'
Protein context (NP_061193.2, residues 94-114): DAAPTDGQPQ[Thr104Arg]QPSENTENKS